The following is an entry in ClinVar:

NM_002528.7(NTHL1):c.19A>G (p.Arg7Gly)

Gene: NTHL1 (nth like DNA glycosylase 1; minus strand). Cytogenetic location: 16p13.3.
Variant type: single nucleotide variant.
Coding change: c.19A>G on transcript NM_002528.7 (MANE Select); coding-DNA position 19, A replaced by G.
Protein change: p.Arg7Gly; replaces arginine 7 with glycine.
Molecular consequence: missense variant. On other transcripts: 5 prime UTR variant (1).
Genome position (GRCh38, 1-based): chr16:2,047,805, T>C on the plus strand (A>G on the coding strand, the complement: NTHL1 is on the minus strand). VCF-style: chr16-2047805-T-C. GRCh37 (hg19) VCF-style: chr16-2097806-T-C.
Other names: c.19A>G, p.Arg7Gly (NM_001318193.2); c.-160A>G (NM_001318194.2); c.43A>G (NM_002528.5); short protein forms R7G.
Identifiers: ClinVar variation 1983648 (VCV001983648.5), dbSNP rs2548332469, ClinGen allele CA394298629.

ClinVar aggregate classification (germline): Uncertain significance. Review status: criteria provided, multiple submitters, no conflicts (2 of 4 stars). 2 submissions from 2 submitters: Uncertain significance (2). Last evaluated 2025-07-07.

Conditions:
Hereditary cancer-predisposing syndrome. Also called: Tumor predisposition; Hereditary neoplastic syndrome; Neoplastic Syndromes, Hereditary; Hereditary Cancer Syndrome. Identifiers: Orphanet 140162, MedGen C0027672, MeSH D009386, MONDO:0015356.

Submissions (2):

Labcorp Genetics (formerly Invitae), Labcorp
Classification: Uncertain significance. Last evaluated: 2025-07-07. Review status: criteria provided, single submitter. Criteria: Invitae Variant Classification Sherloc (09022015). Collection method: clinical testing. Allele origin: germline.
Comment: This sequence change replaces arginine, which is basic and polar, with glycine, which is neutral and non-polar, at codon 15 of the NTHL1 protein (p.Arg15Gly). This variant is not present in population databases (gnomAD no frequency). This variant has not been reported in the literature in individuals affected with NTHL1-related conditions. ClinVar contains an entry for this variant (Variation ID: 1983648). An algorithm developed to predict the effect of missense changes on protein structure and function outputs the following: PolyPhen-2: "Probably Damaging". The glycine amino acid residue is found in multiple mammalian species, which suggests that this missense change does not adversely affect protein function. In summary, the available evidence is currently insufficient to determine the role of this variant in disease. Therefore, it has been classified as a Variant of Uncertain Significance.

Ambry Genetics
Classification: Uncertain significance for Hereditary cancer-predisposing syndrome. Last evaluated: 2025-05-21. Review status: criteria provided, single submitter. Criteria: Ambry Variant Classification Scheme 2023. Collection method: clinical testing. Allele origin: germline.
Comment: The p.R15G variant (also known as c.43A>G), located in coding exon 1 of the NTHL1 gene, results from an A to G substitution at nucleotide position 43. The arginine at codon 15 is replaced by glycine, an amino acid with dissimilar properties. This amino acid position is conserved. In addition, this alteration is predicted to be tolerated by in silico analysis. Based on the available evidence, the clinical significance of this variant remains unclear.